The following is an entry in ClinVar:

ClinVar aggregate classification (germline): Uncertain significance. Review status: criteria provided, multiple submitters, no conflicts (2 of 4 stars). 3 submissions from 3 submitters: Uncertain significance (3). Last evaluated 2024-12-24.

Conditions:
Inborn genetic diseases. Identifiers: MedGen C0950123, MeSH D030342.

Allele frequency attached by ClinVar (database versions not stated): gnomAD exomes 0.00001 and 0.00005; ExAC 0.00002; gnomAD 0.00002; TOPMed 0.00002.
gnomAD v4.1: 70 of 1,613,894 alleles (0.0043%); highest among the groups gnomAD compares: Non-Finnish European, 0.0053%; no homozygotes.

Submissions (3):

Labcorp Genetics (formerly Invitae), Labcorp
Classification: Uncertain significance. Last evaluated: 2024-12-24. Review status: criteria provided, single submitter. Criteria: Invitae Variant Classification Sherloc (09022015). Collection method: clinical testing. Allele origin: germline.
Comment: This sequence change replaces alanine, which is neutral and non-polar, with threonine, which is neutral and polar, at codon 462 of the MBD4 protein (p.Ala462Thr). This variant is present in population databases (rs762115445, gnomAD 0.003%). This variant has not been reported in the literature in individuals affected with MBD4-related conditions. ClinVar contains an entry for this variant (Variation ID: 1337897). An algorithm developed to predict the effect of missense changes on protein structure and function (PolyPhen-2) suggests that this variant is likely to be disruptive. In summary, the available evidence is currently insufficient to determine the role of this variant in disease. Therefore, it has been classified as a Variant of Uncertain Significance.

Ambry Genetics
Classification: Uncertain significance for Inborn genetic diseases. Last evaluated: 2024-11-23. Review status: criteria provided, single submitter. Criteria: Ambry Variant Classification Scheme 2023. Collection method: clinical testing. Allele origin: germline.
Comment: The p.A456T variant (also known as c.1366G>A), located in coding exon 5 of the MBD4 gene, results from a G to A substitution at nucleotide position 1366. The alanine at codon 456 is replaced by threonine, an amino acid with similar properties. This amino acid position is conserved. In addition, this alteration is predicted to be deleterious by in silico analysis. Based on the available evidence, the clinical significance of this variant remains unclear.

Genetic Services Laboratory, University of Chicago
Classification: Uncertain significance. Last evaluated: 2021-03-29. Review status: criteria provided, single submitter. Criteria: ACMG Guidelines, 2015. Collection method: clinical testing. Allele origin: germline. Affected: no.
Comment: DNA sequence analysis of the MBD4 gene demonstrated a sequence change, c.1384G>A, in exon 5 that results in an amino acid change, p.Ala462Thr. This sequence change has been described in gnomAD with a frequency of 0.0026% in the Non-Finnish European sub-population (dbSNP rs762115445). The p.Ala462Thr change affects a highly conserved amino acid residue located in a domain of the MBD4 protein that is known to be functional. In-silico pathogenicity prediction tools (SIFT, PolyPhen2, Align GVGD, REVEL) provide contradictory results for the p.Ala462Thr substitution. This sequence change does not appear to have been previously described in patients with MBD4-related disorders. Due to the lack of sufficient evidences, the clinical significance of the p.Ala462Thr change remains unknown at this time.

NM_001276270.2(MBD4):c.1366G>A (p.Ala456Thr)

Gene: MBD4 (methyl-CpG binding domain 4, DNA glycosylase; minus strand). Cytogenetic location: 3q21.3.
Variant type: single nucleotide variant.
Coding change: c.1366G>A on transcript NM_001276270.2 (MANE Select); coding-DNA position 1366, G replaced by A.
Protein change: p.Ala456Thr; replaces alanine 456 with threonine.
Molecular consequence: missense variant.
Genome position (GRCh38, 1-based): chr3:129,433,877, C>T on the plus strand (G>A on the coding strand, the complement: MBD4 is on the minus strand). VCF-style: chr3-129433877-C-T. GRCh37 (hg19) VCF-style: chr3-129152720-C-T.
Other names: c.1384G>A, p.Ala462Thr (NM_001276271.2, NM_001276272.2, NM_003925.3); c.430G>A, p.Ala144Thr (NM_001276273.2); short protein forms A144T, A456T, A462T.
Identifiers: ClinVar variation 1337897 (VCV001337897.7), dbSNP rs762115445, ClinGen allele CA2605319.